The following is an entry in ClinVar:

NM_024740.2(ALG9):c.*971C>T

Gene: ALG9 (ALG9 alpha-1,2-mannosyltransferase; minus strand). Cytogenetic location: 11q23.1.
Variant type: single nucleotide variant.
Coding change: c.*971C>T on transcript NM_024740.2 (MANE Select); 971 bases downstream of the stop codon, C replaced by T.
Molecular consequence: 3 prime UTR variant. On other transcripts: non-coding transcript variant (1).
Genome position (GRCh38, 1-based): chr11:111,785,426, G>A on the plus strand (C>T on the coding strand, the complement: ALG9 is on the minus strand). VCF-style: chr11-111785426-G-A. GRCh37 (hg19) VCF-style: chr11-111656150-G-A.
Other names: c.*971C>T (NM_001077690.1, NM_001077691.2, NM_001077692.2 and 9 more transcripts); c.*631C>T (NM_001352415.1, NM_001352416.1, NM_001352417.1 and 1 more transcripts); c.*1100C>T (NM_001352420.2); c.*1094C>T (NM_001352421.2).
Identifiers: ClinVar variation 302413 (VCV000302413.5), dbSNP rs140187723, ClinGen allele CA10637186.

ClinVar aggregate classification (germline): Likely benign (1 of 4 stars; one submission).

Conditions:
ALG9 congenital disorder of glycosylation (CDG1L). Also called: CDG Il; CONGENITAL DISORDER OF GLYCOSYLATION, TYPE Il; ALG9-CDG. Identifiers: Orphanet 79328, MedGen C2931006, MONDO:0012117, OMIM 608776.

Allele frequency attached by ClinVar (database versions not stated): gnomAD 0.00090 and 0.00122; TOPMed 0.00118; 1000 Genomes Project 30x 0.00734; 1000 Genomes Project 0.00819.

Submission:

Illumina Laboratory Services, Illumina
Classification: Likely benign for ALG9 congenital disorder of glycosylation. Last evaluated: 2018-01-13. Review status: criteria provided, single submitter. Criteria: ICSL Variant Classification Criteria 13 December 2019. Collection method: clinical testing. Allele origin: germline.
Comment: This variant was observed in the ICSL laboratory as part of a predisposition screen in an ostensibly healthy population. It had not been previously curated by ICSL or reported in the Human Gene Mutation Database (HGMD: prior to June 1st, 2018), and was therefore a candidate for classification through an automated scoring system. Utilizing variant allele frequency, disease prevalence and penetrance estimates, and inheritance mode, an automated score was calculated to assess if this variant is too frequent to cause the disease. Based on the score and internal cut-off values, a variant classified as likely benign is not then subjected to further curation. The score for this variant resulted in a classification of likely benign for this disease.